The following is an entry in ClinVar:

NM_000651.6(CR1):c.849G>A (p.Leu283=)

Gene: CR1 (complement C3b/C4b receptor 1 (Knops blood group); plus strand). Cytogenetic location: 1q32.2.
Variant type: single nucleotide variant.
Coding change: c.849G>A on transcript NM_000651.6 (MANE Select); coding-DNA position 849, G replaced by A.
Protein change: p.Leu283=; no amino-acid change (leucine 283 retained).
Molecular consequence: synonymous variant.
Genome position (GRCh38, 1-based): chr1:207,523,972, G>A. VCF-style: chr1-207523972-G-A. GRCh37 (hg19) VCF-style: chr1-207697317-G-A.
Other names: c.849G>A, p.Leu283= (NM_000573.4).
Identifiers: ClinVar variation 2578595 (VCV002578595.25), dbSNP rs371169282, ClinGen allele CA1369522.

ClinVar aggregate classification (germline): Likely benign (1 of 4 stars; one submission).

Allele frequency attached by ClinVar (database versions not stated): 1000 Genomes Project 30x 0.00016; 1000 Genomes Project 0.00020; TOPMed 0.00126; ESP Exome Variant Server 0.00137; gnomAD 0.00141; gnomAD exomes 0.00205; ExAC 0.00209.
gnomAD v4.1: 3,156 of 1,611,786 alleles (0.2%); highest among the groups gnomAD compares: Non-Finnish European, 0.24%; 8 homozygotes.

Submission:

CeGaT Center for Human Genetics Tuebingen
Classification: Likely benign. Last evaluated: 2023-07-01. Review status: criteria provided, single submitter. Criteria: CeGaT Center For Human Genetics Tuebingen Variant Classification Criteria Version 2. Collection method: clinical testing. Allele origin: germline. Affected: yes. Observed: 2 variant alleles.
Comment: CR1: BP4, BP7